The following is an entry in ClinVar:

ClinVar aggregate classification (germline): Uncertain significance (1 of 4 stars; one submission).

Conditions:
Short-rib thoracic dysplasia 8 with or without polydactyly (SRTD8). Also called: SHORT-RIB THORACIC DYSPLASIA 8 WITH POLYDACTYLY. Identifiers: Orphanet 93271, MedGen C3809691, MONDO:0014214, OMIM 615503.

Allele frequency attached by ClinVar (database versions not stated): gnomAD 0.00001; TOPMed 0.00001; gnomAD exomes 0.00002; ExAC 0.00012.
gnomAD v4.1: 13 of 1,571,852 alleles (0.00083%); highest among the groups gnomAD compares: Admixed American, 0.025%; no homozygotes.

Submission:

Labcorp Genetics (formerly Invitae), Labcorp
Classification: Uncertain significance for Short-rib thoracic dysplasia 8 with or without polydactyly. Last evaluated: 2022-07-06. Review status: criteria provided, single submitter. Criteria: Invitae Variant Classification Sherloc (09022015). Collection method: clinical testing. Allele origin: germline.
Comment: This sequence change replaces valine, which is neutral and non-polar, with glutamic acid, which is acidic and polar, at codon 167 of the WDR60 protein (p.Val167Glu). This variant is present in population databases (rs773887772, gnomAD 0.04%). This variant has not been reported in the literature in individuals affected with WDR60-related conditions. Algorithms developed to predict the effect of missense changes on protein structure and function (SIFT, PolyPhen-2, Align-GVGD) all suggest that this variant is likely to be tolerated. In summary, the available evidence is currently insufficient to determine the role of this variant in disease. Therefore, it has been classified as a Variant of Uncertain Significance.

NM_018051.5(DYNC2I1):c.500T>A (p.Val167Glu)

Gene: DYNC2I1 (dynein 2 intermediate chain 1; plus strand). Cytogenetic location: 7q36.3.
Variant type: single nucleotide variant.
Coding change: c.500T>A on transcript NM_018051.5 (MANE Select); coding-DNA position 500, T replaced by A.
Protein change: p.Val167Glu; replaces valine 167 with glutamic acid.
Molecular consequence: missense variant. On other transcripts: 5 prime UTR variant (4).
Genome position (GRCh38, 1-based): chr7:158,876,618, T>A. VCF-style: chr7-158876618-T-A. GRCh37 (hg19) VCF-style: chr7-158669309-T-A.
Other names: c.362T>A, p.Val121Glu (NM_001350914.2); c.-18T>A (NM_001350915.2); c.-859T>A (NM_001350916.2); c.-867T>A (NM_001350917.2); c.-986T>A (NM_001350918.2); short protein forms V167E, V121E.
Identifiers: ClinVar variation 2077300 (VCV002077300.3), dbSNP rs773887772, ClinGen allele CA4594317.
Genomic context (GRCh38, chr7:158,876,618, plus strand): 5'-TTTGATGTGCTAACATTTGGGAGTATTAAAAATATGTTTTACTTCTTGTAGTAAGTAAAG[T>A]AAGAAGTGAAGAGAAAGATGAAGACTCTGAAAGAGGAGATGAAGATAGAGAAAGAAGATA-3'
Protein context (NP_060521.4, residues 157-177): AERKGRSVSK[Val167Glu]RSEEKDEDSE